The following is an entry in ClinVar:

ClinVar aggregate classification (germline): Uncertain significance (1 of 4 stars; one submission).

gnomAD v4.1: 1 of 1,608,908 alleles (0.000062%); highest among the groups gnomAD compares: Admixed American, 0.0017%; no homozygotes.

Submission:

Labcorp Genetics (formerly Invitae), Labcorp
Classification: Uncertain significance. Last evaluated: 2022-09-07. Review status: criteria provided, single submitter. Criteria: Invitae Variant Classification Sherloc (09022015). Collection method: clinical testing. Allele origin: germline.
Comment: This variant is not present in population databases (gnomAD no frequency). This sequence change replaces valine, which is neutral and non-polar, with leucine, which is neutral and non-polar, at codon 224 of the TTLL5 protein (p.Val224Leu). This variant has not been reported in the literature in individuals affected with TTLL5-related conditions. In summary, the available evidence is currently insufficient to determine the role of this variant in disease. Therefore, it has been classified as a Variant of Uncertain Significance. Algorithms developed to predict the effect of missense changes on protein structure and function (SIFT, PolyPhen-2, Align-GVGD) all suggest that this variant is likely to be tolerated.

NM_015072.5(TTLL5):c.670G>C (p.Val224Leu)

Gene: TTLL5 (tubulin tyrosine ligase like 5; plus strand). Cytogenetic location: 14q24.3.
Variant type: single nucleotide variant.
Coding change: c.670G>C on transcript NM_015072.5 (MANE Select); coding-DNA position 670, G replaced by C.
Protein change: p.Val224Leu; replaces valine 224 with leucine.
Molecular consequence: missense variant.
Genome position (GRCh38, 1-based): chr14:75,707,637, G>C. VCF-style: chr14-75707637-G-C. GRCh37 (hg19) VCF-style: chr14-76173980-G-C.
Other names: short protein forms V224L.
Identifiers: ClinVar variation 2076867 (VCV002076867.4), dbSNP rs17849666, ClinGen allele CA390457064.